The following is an entry in ClinVar:

ClinVar aggregate classification (germline): Likely benign (1 of 4 stars; one submission).

Allele frequency attached by ClinVar (database versions not stated): gnomAD exomes 0.00001.
gnomAD v4.1: 9 of 1,613,672 alleles (0.00056%); highest among the groups gnomAD compares: Admixed American, 0.0017%; no homozygotes.

Submission:

CeGaT Center for Human Genetics Tuebingen
Classification: Likely benign. Last evaluated: 2023-01-01. Review status: criteria provided, single submitter. Criteria: CeGaT Center For Human Genetics Tuebingen Variant Classification Criteria Version 2. Collection method: clinical testing. Allele origin: germline. Affected: yes. Observed: 1 variant allele.
Comment: SEMA3F: BP4, BP7

NM_004186.5(SEMA3F):c.813T>C (p.Asn271=)

Gene: SEMA3F (semaphorin 3F; plus strand). Cytogenetic location: 3p21.31.
Variant type: single nucleotide variant.
Coding change: c.813T>C on transcript NM_004186.5 (MANE Select); coding-DNA position 813, T replaced by C.
Protein change: p.Asn271=; no amino-acid change (asparagine 271 retained).
Molecular consequence: synonymous variant.
Genome position (GRCh38, 1-based): chr3:50,182,693, T>C. VCF-style: chr3-50182693-T-C. GRCh37 (hg19) VCF-style: chr3-50220126-T-C.
Other names: c.516T>C, p.Asn172= (NM_001318798.2); c.720T>C, p.Asn240= (NM_001318800.2).
Identifiers: ClinVar variation 2653853 (VCV002653853.24), dbSNP rs1182914674, ClinGen allele CA433859994.